The following is an entry in ClinVar:

NM_001040142.2(SCN2A):c.4494del (p.Tyr1497_Tyr1498insTer)

Gene: SCN2A (sodium voltage-gated channel alpha subunit 2; plus strand). Cytogenetic location: 2q24.3.
Variant type: Deletion.
Coding change: c.4494del on transcript NM_001040142.2 (MANE Select); coding-DNA position 4494, one base deleted (C; older notation c.4494delC).
Protein change: p.Tyr1497_Tyr1498insTer.
Molecular consequence: nonsense.
Genome position (GRCh38, 1-based): chr2:165,381,140, C deleted. VCF-style (leftmost placement, unchanged base first): chr2-165381139-AC-A. GRCh37 (hg19) VCF-style: chr2-166237649-AC-A.
Other names: c.4494del, p.Tyr1497_Tyr1498insTer (NM_001040143.2, NM_001371246.1, NM_001371247.1 and 1 more transcripts); c.4494delC (NM_021007.2).
Identifiers: ClinVar variation 452919 (VCV000452919.4), dbSNP rs1553462224, ClinGen allele CA658657095.

ClinVar aggregate classification (germline): Pathogenic (1 of 4 stars; one submission).

Conditions:
Complex neurodevelopmental disorder. Identifiers: Orphanet 528084, MedGen C5568766, MONDO:0100038.

Submission:

GeneDx
Classification: Pathogenic. Last evaluated: 2017-10-18. Review status: criteria provided, single submitter. Criteria: GeneDx Variant Classification (06012015). Collection method: clinical testing. Allele origin: germline. Affected: yes.
Comment: The c.4494delC variant in the SCN2A gene has not been reported previously as a pathogenic variant nor as a benign variant, to our knowledge. This deletion causes a frameshift starting with codon Tyrosine 1498 and changes this amino acid to a premature Stop codon, denoted p.Tyr1498Ter. This variant is predicted to cause loss of normal protein function either through protein truncation or nonsense-mediated mRNA decay.